The following is an entry in ClinVar:

ClinVar aggregate classification (germline): Uncertain significance (1 of 4 stars; one submission).

Submission:

Labcorp Genetics (formerly Invitae), Labcorp
Classification: Uncertain significance. Last evaluated: 2025-10-06. Review status: criteria provided, single submitter. Criteria: Invitae Variant Classification Sherloc (09022015). Collection method: clinical testing. Allele origin: germline.
Comment: This sequence change creates a premature translational stop signal (p.Cys391Serfs*4) in the ROBO2 gene. It is expected to result in an absent or disrupted protein product. However, the current clinical and genetic evidence is not sufficient to establish whether loss-of-function variants in ROBO2 cause disease. This variant is not present in population databases (gnomAD no frequency). This variant has not been reported in the literature in individuals affected with ROBO2-related conditions. In summary, the available evidence is currently insufficient to determine the role of this variant in disease. Therefore, it has been classified as a Variant of Uncertain Significance.

NM_001395656.1(ROBO2):c.1184del (p.Cys395fs)

Gene: ROBO2 (roundabout guidance receptor 2; plus strand). Cytogenetic location: 3p12.3.
Variant type: Deletion.
Coding change: c.1184del on transcript NM_001395656.1 (MANE Select); coding-DNA position 1184, one base deleted (G; older notation c.1184delG).
Protein change: p.Cys395fs; shifts the reading frame from cysteine 395.
Molecular consequence: frameshift variant. On other transcripts: 5 prime UTR variant (1).
Genome position (GRCh38, 1-based): chr3:77,550,930, G deleted. VCF-style (leftmost placement, unchanged base first): chr3-77550929-TG-T. GRCh37 (hg19) VCF-style: chr3-77600080-TG-T.
Other names: c.1220del, p.Cys407fs (NM_001128929.3); c.1184del, p.Cys395fs (NM_001290039.2, NM_001290040.2, NM_001378202.1); c.-747del (NM_001290065.2); c.1232del, p.Cys411fs (NM_001378190.1, NM_001378191.1, NM_001378195.1 and 4 more transcripts); c.1253del, p.Cys418fs (NM_001378192.1, NM_001378194.1, NM_001378198.1 and 2 more transcripts); c.1172del, p.Cys391fs (NM_001378193.1, NM_001378197.1, NM_002942.5); c.1241del, p.Cys414fs (NM_001394212.1, NM_001394214.1, NM_001395657.1); short protein forms C407fs, C411fs, C414fs, C391fs, C395fs, C418fs.
Identifiers: ClinVar variation 4728580 (VCV004728580.1).